The following is an entry in ClinVar:

NM_031935.3(HMCN1):c.3194A>G (p.Gln1065Arg)

Gene: HMCN1 (hemicentin 1; plus strand). Cytogenetic location: 1q31.1.
Variant type: single nucleotide variant.
Coding change: c.3194A>G on transcript NM_031935.3 (MANE Select); coding-DNA position 3194, A replaced by G.
Protein change: p.Gln1065Arg; replaces glutamine 1065 with arginine.
Molecular consequence: missense variant.
Genome position (GRCh38, 1-based): chr1:185,989,633, A>G. VCF-style: chr1-185989633-A-G. GRCh37 (hg19) VCF-style: chr1-185958765-A-G.
Other names: short protein forms Q1065R.
Identifiers: ClinVar variation 1945739 (VCV001945739.5), dbSNP rs1483241134, ClinGen allele CA343893206.

ClinVar aggregate classification (germline): Uncertain significance (1 of 4 stars; one submission).

Submission:

Labcorp Genetics (formerly Invitae), Labcorp
Classification: Uncertain significance. Last evaluated: 2025-09-16. Review status: criteria provided, single submitter. Criteria: Invitae Variant Classification Sherloc (09022015). Collection method: clinical testing. Allele origin: germline.
Comment: This sequence change replaces glutamine, which is neutral and polar, with arginine, which is basic and polar, at codon 1065 of the HMCN1 protein (p.Gln1065Arg). This variant is not present in population databases (gnomAD no frequency). This variant has not been reported in the literature in individuals affected with HMCN1-related conditions. ClinVar contains an entry for this variant (Variation ID: 1945739). An algorithm developed to predict the effect of missense changes on protein structure and function (PolyPhen-2) suggests that this variant is likely to be disruptive. In summary, the available evidence is currently insufficient to determine the role of this variant in disease. Therefore, it has been classified as a Variant of Uncertain Significance.